The following is an entry in ClinVar:

ClinVar aggregate classification (germline): Benign. Review status: criteria provided, multiple submitters, no conflicts (2 of 4 stars). 3 submissions from 3 submitters: Benign (2). 1 of the submissions does not count toward it. Last evaluated 2026-01-27.

Conditions:
FPR1-related disorder. Also called: FPR1-related condition.
Gingival disorder. Also called: Gingival disease. Identifiers: MedGen C0017563, MONDO:0002021.

Allele frequency attached by ClinVar (database versions not stated): ESP Exome Variant Server 0.00069; gnomAD 0.00362; TOPMed 0.00656; 1000 Genomes Project 30x 0.01218; 1000 Genomes Project 0.01418.

Submissions (3):

Labcorp Genetics (formerly Invitae), Labcorp
Classification: Benign for Gingival disorder. Last evaluated: 2026-01-27. Review status: criteria provided, single submitter. Criteria: Invitae Variant Classification Sherloc (09022015). Collection method: clinical testing. Allele origin: germline.

Breakthrough Genomics
Classification: Benign. Review status: criteria provided, single submitter. Criteria: ACMG Guidelines, 2015. Collection method: not provided. Allele origin: germline. Inheritance: Unknown mechanism. Affected: yes.

PreventionGenetics, part of Exact Sciences
Classification: Benign for FPR1-related condition. Last evaluated: 2019-12-16. Review status: no assertion criteria provided. Collection method: clinical testing. Allele origin: germline. Not counted in ClinVar's aggregate classification.
Comment: This variant is classified as benign based on ACMG/AMP sequence variant interpretation guidelines (Richards et al. 2015 PMID: 25741868, with internal and published modifications).

NM_002029.4(FPR1):c.289C>A (p.Leu97Met)

Gene: FPR1 (formyl peptide receptor 1; minus strand). Cytogenetic location: 19q13.41.
Variant type: single nucleotide variant.
Coding change: c.289C>A on transcript NM_002029.4 (MANE Select); coding-DNA position 289, C replaced by A.
Protein change: p.Leu97Met; replaces leucine 97 with methionine.
Molecular consequence: missense variant.
Genome position (GRCh38, 1-based): chr19:51,746,706, G>T on the plus strand (C>A on the coding strand, the complement: FPR1 is on the minus strand). VCF-style: chr19-51746706-G-T. GRCh37 (hg19) VCF-style: chr19-52249959-G-T.
Other names: c.289C>A, p.Leu97Met (NM_001193306.2); short protein forms L97M.
Identifiers: ClinVar variation 526514 (VCV000526514.16), dbSNP rs78488639, ClinGen allele CA9616493.